The following is an entry in ClinVar:

ClinVar aggregate classification (germline): Uncertain significance (1 of 4 stars; one submission).

gnomAD v4.1: 1 of 1,612,476 alleles (0.000062%); highest among the groups gnomAD compares: Non-Finnish European, 0.000085%; no homozygotes.

Submission:

Labcorp Genetics (formerly Invitae), Labcorp
Classification: Uncertain significance. Last evaluated: 2024-10-24. Review status: criteria provided, single submitter. Criteria: Invitae Variant Classification Sherloc (09022015). Collection method: clinical testing. Allele origin: germline.
Comment: This sequence change replaces threonine, which is neutral and polar, with proline, which is neutral and non-polar, at codon 543 of the VPS13A protein (p.Thr543Pro). This variant is not present in population databases (gnomAD no frequency). This variant has not been reported in the literature in individuals affected with VPS13A-related conditions. Invitae Evidence Modeling of protein sequence and biophysical properties (such as structural, functional, and spatial information, amino acid conservation, physicochemical variation, residue mobility, and thermodynamic stability) indicates that this missense variant is expected to disrupt VPS13A protein function with a positive predictive value of 80%. In summary, the available evidence is currently insufficient to determine the role of this variant in disease. Therefore, it has been classified as a Variant of Uncertain Significance.

NM_033305.3(VPS13A):c.1627A>C (p.Thr543Pro)

Gene: VPS13A (vacuolar protein sorting 13 homolog A; plus strand). Cytogenetic location: 9q21.2.
Variant type: single nucleotide variant.
Coding change: c.1627A>C on transcript NM_033305.3 (MANE Select); coding-DNA position 1627, A replaced by C.
Protein change: p.Thr543Pro; replaces threonine 543 with proline.
Molecular consequence: missense variant.
Genome position (GRCh38, 1-based): chr9:77,238,033, A>C. VCF-style: chr9-77238033-A-C. GRCh37 (hg19) VCF-style: chr9-79852949-A-C.
Other names: c.1627A>C, p.Thr543Pro (NM_001018037.2, NM_001018038.3, NM_015186.4); short protein forms T543P.
Identifiers: ClinVar variation 2873374 (VCV002873374.3), dbSNP rs1824257649, ClinGen allele CA373846944.